The following is an entry in ClinVar:

NM_015459.5(ATL3):c.1139_1140del (p.Pro380fs)

Genes: ATL3 (atlastin GTPase 3; minus strand), LNCROPM (lncRNA regulator of PLAAT3 mediated phospholipid metabolism; plus strand), LOC126861231 (CDK7 strongly-dependent group 2 enhancer GRCh37_chr11:63398741-63399940; plus strand). Cytogenetic location: 11q13.1.
Variant type: Deletion.
Coding change: c.1139_1140del on transcript NM_015459.5 (MANE Select); coding-DNA positions 1139 to 1140, 2 bases deleted (CA; older notation c.1139_1140delCA).
Protein change: p.Pro380fs; shifts the reading frame from proline 380.
Molecular consequence: frameshift variant.
Genome position (GRCh38, 1-based): chr11:63,631,439-63,631,440, TG deleted on the plus strand (CA on the coding strand, the reverse complement: ATL3 is on the minus strand). VCF-style (leftmost placement, unchanged base first): chr11-63631438-CTG-C. GRCh37 (hg19) VCF-style: chr11-63398910-CTG-C.
Other names: c.1085_1086del, p.Pro362fs (NM_001290048.2); short protein forms P362fs, P380fs.
Identifiers: ClinVar variation 2885904 (VCV002885904.3), dbSNP rs2495622295, ClinGen allele CA2739270476.
Genomic context (GRCh38, chr11:63,631,438, plus strand): 5'-TCTTCTTAAAATGGTCCAGAGCAAGTTGTTTGAATTCACAGTGCTTCTCCTCTAGAATGT[CTG>C]GAGACAAATAAGGTTTCTCTCCCCCACAAACCTAAAAAGAACAAAGAAACAATATGTTAA-3'

ClinVar aggregate classification (germline): Uncertain significance (1 of 4 stars; one submission).

Conditions:
Neuropathy, hereditary sensory, type 1F. Also called: HSN IF; Hereditary sensory neuropathy type IF. Identifiers: Orphanet 36386, MedGen C3810194, MONDO:0014286, OMIM 615632.

Submission:

Labcorp Genetics (formerly Invitae), Labcorp
Classification: Uncertain significance for Neuropathy, hereditary sensory, type 1F. Last evaluated: 2023-06-27. Review status: criteria provided, single submitter. Criteria: Invitae Variant Classification Sherloc (09022015). Collection method: clinical testing. Allele origin: germline.
Comment: In summary, the available evidence is currently insufficient to determine the role of this variant in disease. Therefore, it has been classified as a Variant of Uncertain Significance. This variant has not been reported in the literature in individuals affected with ATL3-related conditions. This variant is not present in population databases (gnomAD no frequency). This sequence change creates a premature translational stop signal (p.Pro380Argfs*9) in the ATL3 gene. It is expected to result in an absent or disrupted protein product. However, the current clinical and genetic evidence is not sufficient to establish whether loss-of-function variants in ATL3 cause disease.